The following is an entry in ClinVar:

ClinVar aggregate classification (germline): Uncertain significance (1 of 4 stars; one submission).

Submission:

GeneDx
Classification: Uncertain significance. Last evaluated: 2025-10-27. Review status: criteria provided, single submitter. Criteria: GeneDx Variant Classification Process June 2021. Collection method: clinical testing. Allele origin: germline. Affected: yes.
Comment: Not observed at significant frequency in large population cohorts (gnomAD); In silico analysis supports that this missense variant has a deleterious effect on protein structure/function; Has not been previously published as pathogenic or benign to our knowledge

NM_005334.3(HCFC1):c.1651G>A (p.Ala551Thr)

Gene: HCFC1 (host cell factor C1; minus strand). Cytogenetic location: Xq28.
Variant type: single nucleotide variant.
Coding change: c.1651G>A on transcript NM_005334.3 (MANE Select); coding-DNA position 1651, G replaced by A.
Protein change: p.Ala551Thr; replaces alanine 551 with threonine.
Molecular consequence: missense variant.
Genome position (GRCh38, 1-based): chrX:153,958,721, C>T on the plus strand (G>A on the coding strand, the complement: HCFC1 is on the minus strand). VCF-style: chrX-153958721-C-T. GRCh37 (hg19) VCF-style: chrX-153224172-C-T.
Other names: short protein forms A551T.
Identifiers: ClinVar variation 1304380 (VCV001304380.4), dbSNP rs2148585058, ClinGen allele CA415135280.